The following is an entry in ClinVar:

NM_004370.6(COL12A1):c.6928A>G (p.Ile2310Val)

Gene: COL12A1 (collagen type XII alpha 1 chain; minus strand). Cytogenetic location: 6q13.
Variant type: single nucleotide variant.
Coding change: c.6928A>G on transcript NM_004370.6 (MANE Select); coding-DNA position 6928, A replaced by G.
Protein change: p.Ile2310Val; replaces isoleucine 2310 with valine.
Molecular consequence: missense variant.
Genome position (GRCh38, 1-based): chr6:75,123,348, T>C on the plus strand (A>G on the coding strand, the complement: COL12A1 is on the minus strand). VCF-style: chr6-75123348-T-C. GRCh37 (hg19) VCF-style: chr6-75833064-T-C.
Other names: c.3436A>G, p.Ile1146Val (NM_080645.3); short protein forms I1146V, I2310V.
Identifiers: ClinVar variation 705740 (VCV000705740.18), dbSNP rs752850582, ClinGen allele CA3892698.

ClinVar aggregate classification (germline): Conflicting classifications of pathogenicity. Review status: criteria provided, conflicting classifications (1 of 4 stars). 4 submissions from 4 submitters: Uncertain significance (2); Likely benign (2). Last evaluated 2026-07-01.

Conditions:
Ullrich congenital muscular dystrophy 2 (UCMD2). Identifiers: Orphanet 75840, MedGen C4225314, MONDO:0014654, OMIM 616470.
Bethlem myopathy 2 (BTHLM2). Identifiers: Orphanet 536516, Orphanet 610, MedGen C4225313, MONDO:0034022, OMIM 616471.

Allele frequency attached by ClinVar (database versions not stated): gnomAD 0.00003 and 0.00004; TOPMed 0.00007; gnomAD exomes 0.00010 and 0.00020; ExAC 0.00037.
gnomAD v4.1: 62 of 1,609,138 alleles (0.0039%); highest among the groups gnomAD compares: Admixed American, 0.1%; no homozygotes.

Submissions (4):

CeGaT Center for Human Genetics Tuebingen
Classification: Likely benign. Last evaluated: 2026-07-01. Review status: criteria provided, single submitter. Criteria: CeGaT Center For Human Genetics Tuebingen Variant Classification Criteria Version 2. Collection method: clinical testing. Allele origin: germline. Affected: yes. Observed: 1 variant allele.
Comment: COL12A1: BS1

Labcorp Genetics (formerly Invitae), Labcorp
Classification: Likely benign for Bethlem myopathy 2; Ullrich congenital muscular dystrophy 2. Last evaluated: 2025-06-26. Review status: criteria provided, single submitter. Criteria: Invitae Variant Classification Sherloc (09022015). Collection method: clinical testing. Allele origin: germline.

GeneDx
Classification: Uncertain significance. Last evaluated: 2024-12-11. Review status: criteria provided, single submitter. Criteria: GeneDx Variant Classification Process June 2021. Collection method: clinical testing. Allele origin: germline. Affected: yes.
Comment: In silico analysis indicates that this missense variant does not alter protein structure/function; Has not been previously published as pathogenic or benign to our knowledge

Revvity Omics, Revvity
Classification: Uncertain significance. Last evaluated: 2021-12-03. Review status: criteria provided, single submitter. Criteria: ACMG Guidelines, 2015. Collection method: clinical testing. Allele origin: germline.